The following is an entry in ClinVar:

NM_018706.7(DHTKD1):c.945A>G (p.Pro315=)

Gene: DHTKD1 (dehydrogenase E1 and transketolase domain containing 1; plus strand). Cytogenetic location: 10p14.
Variant type: single nucleotide variant.
Coding change: c.945A>G on transcript NM_018706.7 (MANE Select); coding-DNA position 945, A replaced by G.
Protein change: p.Pro315=; no amino-acid change (proline 315 retained).
Molecular consequence: synonymous variant.
Genome position (GRCh38, 1-based): chr10:12,089,213, A>G. VCF-style: chr10-12089213-A-G. GRCh37 (hg19) VCF-style: chr10-12131212-A-G.
Identifiers: ClinVar variation 733543 (VCV000733543.8), dbSNP rs144254844, ClinGen allele CA5407689.
Genomic context (GRCh38, chr10:12,089,213, plus strand): 5'-CGTGGCCGTGGGCAAAACTCGCGGCAGGCAGCAGTCTCGCCAAGACGGCGATTACTCTCC[A>G]GACAACTCAGCCCAGCCGGGGGACAGGGTCATTTGCTTACAGGTACTTGGAGCTTCTGAA-3'
Protein context (NP_061176.4, residues 305-325): QQSRQDGDYS[Pro315=]DNSAQPGDRV

ClinVar aggregate classification (germline): Likely benign. Review status: criteria provided, multiple submitters, no conflicts (2 of 4 stars). 2 submissions from 2 submitters: Likely benign (2). Last evaluated 2026-09-06.

Conditions:
DHTKD1-related disorder. Also called: DHTKD1-related condition.
2-aminoadipic 2-oxoadipic aciduria (AAKAD). Also called: ALPHA-AMINOADIPIC AND ALPHA-KETOADIPIC ACIDURIA; Aminoadipic aciduria. Identifiers: Orphanet 79154, MedGen C1859817, MONDO:0008774, OMIM 204750.

Allele frequency attached by ClinVar (database versions not stated): ExAC 0.00007; gnomAD exomes 0.00009 and 0.00016; TOPMed 0.00011; ESP Exome Variant Server 0.00015; gnomAD 0.00015 and 0.00016.

Submissions (2):

PreventionGenetics, part of Exact Sciences
Classification: Likely benign for DHTKD1-related condition. Last evaluated: 2026-09-06. Review status: criteria provided, single submitter. Criteria: ACMG Guidelines, 2015. Collection method: clinical testing. Allele origin: germline.
Comment: This variant is classified as likely benign based on ACMG/AMP sequence variant interpretation guidelines (Richards et al. 2015 PMID: 25741868, with internal and published modifications).

Labcorp Genetics (formerly Invitae), Labcorp
Classification: Likely benign for 2-aminoadipic 2-oxoadipic aciduria. Last evaluated: 2024-10-10. Review status: criteria provided, single submitter. Criteria: Invitae Variant Classification Sherloc (09022015). Collection method: clinical testing. Allele origin: germline.